The following is an entry in ClinVar:

ClinVar aggregate classification (germline): Pathogenic (1 of 4 stars; one submission).

Conditions:
Ehlers-Danlos syndrome, classic-like, 2. Identifiers: Orphanet 536532, MedGen C4693870, MONDO:0054813, OMIM 618000.

Submission:

Women's Health and Genetics/Laboratory Corporation of America, LabCorp
Classification: Pathogenic for Ehlers-Danlos syndrome, classic-like, 2. Last evaluated: 2024-03-25. Review status: criteria provided, single submitter. Criteria: LabCorp Variant Classification Summary - May 2015. Collection method: clinical testing. Allele origin: germline.
Comment: Variant summary: AEBP1 c.1816_1817delGA (p.Asp606GlnfsX6) results in a premature termination codon, predicted to cause a truncation of the encoded protein or absence of the protein due to nonsense mediated decay, which are commonly known mechanisms for disease. The frequency data for this variant in gnomAD is considered unreliable, as metrics indicate poor data quality at this position. To our knowledge, no occurrence of c.1816_1817delGA in individuals affected with Ehlers-Danlos Syndrome, Classic-Like, 2 and no experimental evidence demonstrating its impact on protein function have been reported. No submitters have cited clinical-significance assessments for this variant to ClinVar. Based on the evidence outlined above, the variant was classified as pathogenic.

NM_001129.5(AEBP1):c.1816_1817del (p.Asp606fs)

Gene: AEBP1 (AE binding protein 1; plus strand). Cytogenetic location: 7p13.
Variant type: Deletion.
Coding change: c.1816_1817del on transcript NM_001129.5 (MANE Select); coding-DNA positions 1816 to 1817, 2 bases deleted (GA; older notation c.1816_1817delGA).
Protein change: p.Asp606fs; shifts the reading frame from aspartic acid 606.
Molecular consequence: frameshift variant.
Genome position (GRCh38, 1-based): chr7:44,111,606-44,111,607, GA deleted; deleting any 2 consecutive bases within chr7:44,111,605-44,111,607 gives the same sequence; the c. name uses the placement nearest the transcript's 3' end. VCF-style (leftmost placement, unchanged base first): chr7-44111604-CAG-C. GRCh37 (hg19) VCF-style: chr7-44151203-CAG-C.
Other names: c.1816_1817delGA (NM_001129.5); short protein forms D606fs.
Identifiers: ClinVar variation 3233787 (VCV003233787.2), dbSNP rs2484355096, ClinGen allele CA2825001549.